The following is an entry in ClinVar:

ClinVar aggregate classification (germline): Uncertain significance. Review status: criteria provided, multiple submitters, no conflicts (2 of 4 stars). 2 submissions from 2 submitters: Uncertain significance (2). Last evaluated 2024-10-02.

Conditions:
Inborn genetic diseases. Identifiers: MedGen C0950123, MeSH D030342.

Allele frequency attached by ClinVar (database versions not stated): TOPMed below 0.00001; gnomAD 0.00001; gnomAD exomes 0.00002; ExAC 0.00012; 1000 Genomes Project 30x 0.00016; 1000 Genomes Project 0.00020.
gnomAD v4.1: 28 of 1,533,810 alleles (0.0018%); highest among the groups gnomAD compares: South Asian, 0.03%; no homozygotes.

Submissions (2):

GeneDx
Classification: Uncertain significance. Last evaluated: 2024-10-02. Review status: criteria provided, single submitter. Criteria: GeneDx Variant Classification Process June 2021. Collection method: clinical testing. Allele origin: germline. Affected: yes.
Comment: In silico analysis indicates that this missense variant does not alter protein structure/function; Has not been previously published as pathogenic or benign to our knowledge

Ambry Genetics
Classification: Uncertain significance for Inborn genetic diseases. Last evaluated: 2022-08-12. Review status: criteria provided, single submitter. Criteria: Ambry Variant Classification Scheme 2023. Collection method: clinical testing. Allele origin: germline.

NM_001379210.1(SLC25A26):c.4G>T (p.Asp2Tyr)

Gene: SLC25A26 (solute carrier family 25 member 26; plus strand). Cytogenetic location: 3p14.1.
Variant type: single nucleotide variant.
Coding change: c.4G>T on transcript NM_001379210.1 (MANE Select); coding-DNA position 4, G replaced by T.
Protein change: p.Asp2Tyr; replaces aspartic acid 2 with tyrosine.
Molecular consequence: missense variant. On other transcripts: 5 prime UTR variant (4), non-coding transcript variant (14), intron variant (1).
Genome position (GRCh38, 1-based): chr3:66,221,098, G>T. VCF-style: chr3-66221098-G-T. GRCh37 (hg19) VCF-style: chr3-66271524-G-T.
Other names: c.4G>T, p.Asp2Tyr (NM_001009937.1, NM_001400705.1, NM_001400707.1 and 1 more transcripts); c.-104G>T (NM_001164796.1, NM_001400709.1, NM_001400714.1); c.-348G>T (NM_001350993.1); c.-232+240G>T (NM_001400711.1); short protein forms D2Y.
Identifiers: ClinVar variation 2377618 (VCV002377618.3), dbSNP rs531650947, ClinGen allele CA2483583.
Genomic context (GRCh38, chr3:66,221,098, plus strand): 5'-GACGTGATCCGCTTCTGCTCCGGCTTGGATTGTAGCCTTGACGAGGTCTGAGCGACCATG[G>T]ACCGGCCGGGGTTCGTGGCAGCGCTGGTGGTGAGTGCGGGGCGGTGGGGTGGGTTGCTCA-3'
Protein context (NP_001366139.1, residues 1-12): M[Asp2Tyr]RPGFVAALVA